The following is an entry in ClinVar:

ClinVar aggregate classification (germline): Benign (1 of 4 stars; one submission).

Conditions:
Vitreoretinopathy. Also called: Vitreoretinal degeneration. Identifiers: MedGen C0344290, MONDO:0020248, HP:0007773.

Allele frequency attached by ClinVar (database versions not stated): gnomAD 0.00164 and 0.00214; 1000 Genomes Project 0.00938; 1000 Genomes Project 30x 0.00953.

Submission:

Illumina Laboratory Services, Illumina
Classification: Benign for Vitreoretinopathy. Last evaluated: 2018-01-12. Review status: criteria provided, single submitter. Criteria: ICSL Variant Classification Criteria 13 December 2019. Collection method: clinical testing. Allele origin: germline.
Comment: This variant was observed in the ICSL laboratory as part of a predisposition screen in an ostensibly healthy population. It had not been previously curated by ICSL or reported in the Human Gene Mutation Database (HGMD: prior to June 1st, 2018), and was therefore a candidate for classification through an automated scoring system. Utilizing variant allele frequency, disease prevalence and penetrance estimates, and inheritance mode, an automated score was calculated to assess if this variant is too frequent to cause the disease. Based on the score and internal cut-off values, a variant classified as benign is not then subjected to further curation. The score for this variant resulted in a classification of benign for this disease.

NM_004385.5(VCAN):c.*910A>C

Gene: VCAN (versican; plus strand). Cytogenetic location: 5q14.3.
Variant type: single nucleotide variant.
Coding change: c.*910A>C on transcript NM_004385.5 (MANE Select); 910 bases downstream of the stop codon, A replaced by C.
Molecular consequence: 3 prime UTR variant.
Genome position (GRCh38, 1-based): chr5:83,581,344, A>C. VCF-style: chr5-83581344-A-C. GRCh37 (hg19) VCF-style: chr5-82877163-A-C.
Other names: c.*910A>C (NM_001126336.3, NM_001164097.2, NM_001164098.2).
Identifiers: ClinVar variation 354486 (VCV000354486.6), dbSNP rs201146484, ClinGen allele CA10625333.